The following is an entry in ClinVar:

ClinVar aggregate classification (germline): Uncertain significance (1 of 4 stars; one submission).

Conditions:
Congenital myotonia, autosomal dominant form (THD). Also called: THOMSEN DISEASE; Myotonia congenita autosomal dominant. Identifiers: Orphanet 614, MedGen C2936781, MONDO:0008055, OMIM 160800.
Congenital myotonia, autosomal recessive form. Also called: BECKER DISEASE; Becker Generalized Myotonia; myotonia congenita, autosomal recessive. Identifiers: Orphanet 614, MedGen C0751360, MONDO:0009715, OMIM 255700.

Allele frequency attached by ClinVar (database versions not stated): gnomAD exomes below 0.00001; TOPMed below 0.00001.
gnomAD v4.1: 3 of 1,614,074 alleles (0.00019%); highest among the groups gnomAD compares: Non-Finnish European, 0.00025%; no homozygotes.

Submission:

Labcorp Genetics (formerly Invitae), Labcorp
Classification: Uncertain significance for Congenital myotonia, autosomal recessive form; Congenital myotonia, autosomal dominant form. Last evaluated: 2023-11-10. Review status: criteria provided, single submitter. Criteria: Invitae Variant Classification Sherloc (09022015). Collection method: clinical testing. Allele origin: germline.
Comment: This sequence change replaces glutamic acid, which is acidic and polar, with lysine, which is basic and polar, at codon 624 of the CLCN1 protein (p.Glu624Lys). This variant is not present in population databases (gnomAD no frequency). This variant has not been reported in the literature in individuals affected with CLCN1-related conditions. Advanced modeling of protein sequence and biophysical properties (such as structural, functional, and spatial information, amino acid conservation, physicochemical variation, residue mobility, and thermodynamic stability) has been performed at Invitae for this missense variant, however the output from this modeling did not meet the statistical confidence thresholds required to predict the impact of this variant on CLCN1 protein function. In summary, the available evidence is currently insufficient to determine the role of this variant in disease. Therefore, it has been classified as a Variant of Uncertain Significance.

NM_000083.3(CLCN1):c.1870G>A (p.Glu624Lys)

Gene: CLCN1 (chloride voltage-gated channel 1; plus strand). Cytogenetic location: 7q34.
Variant type: single nucleotide variant.
Coding change: c.1870G>A on transcript NM_000083.3 (MANE Select); coding-DNA position 1870, G replaced by A.
Protein change: p.Glu624Lys; replaces glutamic acid 624 with lysine.
Molecular consequence: missense variant. On other transcripts: non-coding transcript variant (1).
Genome position (GRCh38, 1-based): chr7:143,342,445, G>A. VCF-style: chr7-143342445-G-A. GRCh37 (hg19) VCF-style: chr7-143039538-G-A.
Other names: short protein forms E624K.
Identifiers: ClinVar variation 2922517 (VCV002922517.3), dbSNP rs1563085093, ClinGen allele CA369647824.